The following is an entry in ClinVar:

ClinVar aggregate classification (germline): Pathogenic/Likely pathogenic. Review status: criteria provided, multiple submitters, no conflicts (2 of 4 stars). 3 submissions from 3 submitters: Pathogenic (1); Likely pathogenic (2). Last evaluated 2026-08-06.

Conditions:
Dyggve-Melchior-Clausen syndrome (DMC). Also called: Dyggve-Melchior-Clausen disease; DMC syndrome. Identifiers: Orphanet 239, MedGen C0265286, MONDO:0009130, OMIM 223800.
Early-onset non-syndromic cataract. Also called: NUCLEAR SCLEROSIS OF THE LENS; Age-related nuclear cataract. Identifiers: Orphanet 91492, MedGen C1832423, MONDO:0011060, OMIM 601371, HP:0011142.

Submissions (3):

Institute of Human Genetics, Heidelberg University
Classification: Likely pathogenic for Dyggve-Melchior-Clausen syndrome. Last evaluated: 2026-08-06. Review status: criteria provided, single submitter. Criteria: ACMG Guidelines, 2015. Collection method: clinical testing. Allele origin: biparental. Affected: yes. Observed: 3 variant alleles.
Comment: PVS1_STR, PM3, PM2_SUP

Genetics Department, University Hospital of Toulouse
Classification: Pathogenic for Early-onset non-syndromic cataract. Last evaluated: 2025-10-05. Review status: criteria provided, single submitter. Criteria: ACMG Guidelines, 2015. Collection method: clinical testing. Allele origin: germline. Affected: yes.

Hacettepe Pediatric Genetics Laboratory, Hacettepe University
Classification: Likely pathogenic for Dyggve-Melchior-Clausen syndrome. Last evaluated: 2023-08-03. Review status: criteria provided, single submitter. Criteria: ACMG Guidelines, 2015. Collection method: clinical testing. Allele origin: germline. Inheritance: Autosomal recessive inheritance. Affected: yes and no. Observed: 3 variant alleles, 2 heterozygotes, 1 homozygote. Clinical features observed: Short stature (HP:0004322), Microcephaly (HP:0000252), Coarse facial features (HP:0000280), Global developmental delay (HP:0025356).
Comment: This variant was neither found in GnomAD. This change was classified as “ likely pathogenic” according to the ACMG guidelines and predicted to be disease causing by in silico analysis such as MutationTaster.

Literature cited by the submitters: PubMed 38860472 (cited by Genetics Department, University Hospital of Toulouse).

NM_001353214.3(DYM):c.916C>T (p.Gln306Ter)

Gene: DYM (dymeclin; minus strand). Cytogenetic location: 18q21.1.
Variant type: single nucleotide variant.
Coding change: c.916C>T on transcript NM_001353214.3 (MANE Select); coding-DNA position 916, C replaced by T.
Protein change: p.Gln306Ter; replaces glutamine 306 with a stop codon.
Molecular consequence: nonsense. On other transcripts: intron variant (1).
Genome position (GRCh38, 1-based): chr18:49,286,464, G>A on the plus strand (C>T on the coding strand, the complement: DYM is on the minus strand). VCF-style: chr18-49286464-G-A. GRCh37 (hg19) VCF-style: chr18-46812834-G-A.
Other names: p.Gln306Ter; c.916C>T, p.Gln306Ter (NM_001353215.3, NM_001353216.3, NM_001374428.1 and 5 more transcripts); c.910C>T, p.Gln304Ter (NM_001374429.1, NM_001374439.1); c.790C>T, p.Gln264Ter (NM_001374432.1, NM_001374436.1); c.764-4289C>T (NM_001374437.1); c.913C>T, p.Gln305Ter (NM_001353210.3, NM_001353211.3, NM_001353212.3 and 3 more transcripts); c.688C>T, p.Gln230Ter (NM_001374440.1); c.346C>T, p.Gln116Ter (NM_001374441.1, NM_001374442.1, NM_001374444.1); and 1 more; short protein forms Q115*, Q116*, Q230*, Q264*, Q304*, Q305*, Q306*.
Identifiers: ClinVar variation 2574672 (VCV002574672.4), dbSNP rs201540129, ClinGen allele CA402508388.